The following is an entry in ClinVar:

ClinVar aggregate classification (germline): Uncertain significance (1 of 4 stars; one submission).

gnomAD v4.1: 20 of 1,611,474 alleles (0.0012%); highest among the groups gnomAD compares: Non-Finnish European, 0.0011%; no homozygotes.

Submission:

Labcorp Genetics (formerly Invitae), Labcorp
Classification: Uncertain significance. Last evaluated: 2025-11-08. Review status: criteria provided, single submitter. Criteria: Invitae Variant Classification Sherloc (09022015). Collection method: clinical testing. Allele origin: germline.
Comment: This sequence change replaces glycine, which is neutral and non-polar, with arginine, which is basic and polar, at codon 1538 of the COL11A2 protein (p.Gly1538Arg). This variant is present in population databases (rs745996561, gnomAD 0.01%). This variant has not been reported in the literature in individuals affected with COL11A2-related conditions. Invitae Evidence Modeling of protein sequence and biophysical properties (such as structural, functional, and spatial information, amino acid conservation, physicochemical variation, residue mobility, and thermodynamic stability) indicates that this missense variant is not expected to disrupt COL11A2 protein function with a negative predictive value of 95%. In summary, the available evidence is currently insufficient to determine the role of this variant in disease. Therefore, it has been classified as a Variant of Uncertain Significance.

NM_080680.3(COL11A2):c.4612G>A (p.Gly1538Arg)

Gene: COL11A2 (collagen type XI alpha 2 chain; minus strand). Cytogenetic location: 6p21.32.
Variant type: single nucleotide variant.
Coding change: c.4612G>A on transcript NM_080680.3 (MANE Select); coding-DNA position 4612, G replaced by A.
Protein change: p.Gly1538Arg; replaces glycine 1538 with arginine.
Molecular consequence: missense variant.
Genome position (GRCh38, 1-based): chr6:33,165,687, C>T on the plus strand (G>A on the coding strand, the complement: COL11A2 is on the minus strand). VCF-style: chr6-33165687-C-T. GRCh37 (hg19) VCF-style: chr6-33133464-C-T.
Other names: c.4432G>A, p.Gly1478Arg (NM_001424108.1); c.3766G>A, p.Gly1256Arg (NM_001424109.1); c.3586G>A, p.Gly1196Arg (NM_001424110.1, NM_001424111.1); c.2566G>A, p.Gly856Arg (NM_001424112.1); c.4291G>A, p.Gly1431Arg (NM_080679.3); c.4354G>A, p.Gly1452Arg (NM_080681.3); short protein forms G1431R, G856R, G1196R, G1452R, G1538R, G1256R, G1478R.
Identifiers: ClinVar variation 4741717 (VCV004741717.1).